The following is an entry in ClinVar:

NM_006258.4(PRKG1):c.1961G>C (p.Ser654Thr)

Gene: PRKG1 (protein kinase cGMP-dependent 1; plus strand). Cytogenetic location: 10q21.1.
Variant type: single nucleotide variant.
Coding change: c.1961G>C on transcript NM_006258.4 (MANE Select); coding-DNA position 1961, G replaced by C.
Protein change: p.Ser654Thr; replaces serine 654 with threonine.
Molecular consequence: missense variant.
Genome position (GRCh38, 1-based): chr10:52,290,289, G>C. VCF-style: chr10-52290289-G-C. GRCh37 (hg19) VCF-style: chr10-54050049-G-C.
Other names: c.1916G>C, p.Ser639Thr (NM_001098512.3); c.752G>C, p.Ser251Thr (NM_001374781.1); short protein forms S654T, S251T, S639T.
Identifiers: ClinVar variation 1783446 (VCV001783446.4), dbSNP rs759599450, ClinGen allele CA5503976.

ClinVar aggregate classification (germline): Uncertain significance. Review status: criteria provided, multiple submitters, no conflicts (2 of 4 stars). 2 submissions from 2 submitters: Uncertain significance (2). Last evaluated 2024-03-21.

Conditions:
Aortic aneurysm, familial thoracic 8 (AAT8). Identifiers: MedGen C3809513, MONDO:0014187, OMIM 615436.
Familial thoracic aortic aneurysm and aortic dissection (TAAD). Also called: Thoracic aortic aneurysms and dissections. Identifiers: Orphanet 91387, MedGen C4707243, MONDO:0019625.

Allele frequency attached by ClinVar (database versions not stated): TOPMed below 0.00001; ExAC 0.00001; gnomAD exomes 0.00001.
gnomAD v4.1: 8 of 1,606,166 alleles (0.0005%); highest among the groups gnomAD compares: Non-Finnish European, 0.00068%; no homozygotes.

Submissions (2):

Labcorp Genetics (formerly Invitae), Labcorp
Classification: Uncertain significance for Aortic aneurysm, familial thoracic 8. Last evaluated: 2024-03-21. Review status: criteria provided, single submitter. Criteria: Invitae Variant Classification Sherloc (09022015). Collection method: clinical testing. Allele origin: germline.
Comment: This sequence change replaces serine, which is neutral and polar, with threonine, which is neutral and polar, at codon 654 of the PRKG1 protein (p.Ser654Thr). This variant is present in population databases (rs759599450, gnomAD 0.002%). This variant has not been reported in the literature in individuals affected with PRKG1-related conditions. ClinVar contains an entry for this variant (Variation ID: 1783446). An algorithm developed to predict the effect of missense changes on protein structure and function (PolyPhen-2) suggests that this variant is likely to be tolerated. In summary, the available evidence is currently insufficient to determine the role of this variant in disease. Therefore, it has been classified as a Variant of Uncertain Significance.

Ambry Genetics
Classification: Uncertain significance for Familial thoracic aortic aneurysm and aortic dissection. Last evaluated: 2019-01-04. Review status: criteria provided, single submitter. Criteria: Ambry Variant Classification Scheme 2023. Collection method: clinical testing. Allele origin: germline.
Comment: The p.S654T variant (also known as c.1961G>C), located in coding exon 17 of the PRKG1 gene, results from a G to C substitution at nucleotide position 1961. The serine at codon 654 is replaced by threonine, an amino acid with similar properties. This amino acid position is well conserved in available vertebrate species; however, threonine is the reference amino acid in other vertebrate species. In addition, this alteration is predicted to be tolerated by in silico analysis. Since supporting evidence is limited at this time, the clinical significance of this alteration remains unclear.